The following is an entry in ClinVar:

ClinVar aggregate classification (germline): Pathogenic (1 of 4 stars; one submission).

Submission:

CeGaT Center for Human Genetics Tuebingen
Classification: Pathogenic. Last evaluated: 2023-12-01. Review status: criteria provided, single submitter. Criteria: CeGaT Center For Human Genetics Tuebingen Variant Classification Criteria Version 2. Collection method: clinical testing. Allele origin: germline. Affected: yes. Observed: 1 variant allele.
Comment: DSP: PVS1, PM2

NM_004415.4(DSP):c.3861del (p.Lys1288fs)

Gene: DSP (desmoplakin; plus strand). Cytogenetic location: 6p24.3.
Variant type: Deletion.
Coding change: c.3861del on transcript NM_004415.4 (MANE Select); coding-DNA position 3861, one base deleted (G; older notation c.3861delG).
Protein change: p.Lys1288fs; shifts the reading frame from lysine 1288.
Molecular consequence: frameshift variant. On other transcripts: intron variant (1).
Genome position (GRCh38, 1-based): chr6:7,580,051, G deleted. VCF-style (leftmost placement, unchanged base first): chr6-7580050-AG-A. GRCh37 (hg19) VCF-style: chr6-7580283-AG-A.
Other names: c.3861del, p.Lys1288fs (NM_001319034.2); c.3582+279del (NM_001008844.3); short protein forms K1288fs.
Identifiers: ClinVar variation 3026706 (VCV003026706.22), dbSNP rs2533926346, ClinGen allele CA2740090878.